The following is an entry in ClinVar:

ClinVar aggregate classification (germline): Pathogenic. Review status: criteria provided, multiple submitters, no conflicts (2 of 4 stars). 2 submissions from 2 submitters: Pathogenic (2). Last evaluated 2024-10-08.

Conditions:
Polycystic kidney disease, adult type (PKD1). Also called: Polycystic Kidney, Autosomal Dominant; POLYCYSTIC KIDNEY DISEASE 1 WITH OR WITHOUT POLYCYSTIC LIVER DISEASE; POLYCYSTIC KIDNEY DISEASE, ADULT, TYPE I; Polycystic Kidney Disease 1, Autosomal Dominant; Polycystic kidney disease 1; Polycystic kidney disease 1, severe. Identifiers: MedGen C3149841, MONDO:0008263, OMIM 173900.

Submissions (2):

Victorian Clinical Genetics Services, Murdoch Childrens Research Institute
Classification: Pathogenic for Polycystic kidney disease, adult type. Last evaluated: 2024-10-08. Review status: criteria provided, single submitter. Criteria: ACMG Guidelines, 2015. Collection method: clinical testing. Allele origin: germline. Inheritance: Autosomal dominant inheritance. Affected: yes.
Comment: Based on the classification scheme VCGS_Germline_v1.3.4, this variant is classified as Pathogenic. Following criteria are met: 0102 - Loss of function is a known mechanism of disease in this gene and is associated with polycystic kidney disease (MIM#173900). (I) 0107 - This gene is associated with autosomal dominant disease. Polycystic kidney disease 1 (MIM#173900) is predominantly caused by monoallelic variants, with rare reports of biallelic variants causing disease (OMIM). (I) 0201 - Variant is predicted to cause nonsense-mediated decay (NMD) and loss of protein (premature termination codon is located at least 54 nucleotides upstream of the final exon-exon junction). (SP) 0251 - This variant is heterozygous. (I) 0301 - Variant is absent from gnomAD (both v2 and v3). (SP) 0701 - Other NMD-predicted variants comparable to the one identified in this case have very strong previous evidence for pathogenicity. There are many NMD-predicted variants reported as pathogenic in ClinVar. (SP) 0807 - This variant has no previous evidence of pathogenicity. (I) 0905 - No published segregation evidence has been identified for this variant. (I) 1007 - No published functional evidence has been identified for this variant. (I) 1208 - Inheritance information for this variant is not currently available in this individual. (I) Legend: (SP) - Supporting pathogenic, (I) - Information, (SB) - Supporting benign

Juno Genomics, Hangzhou Juno Genomics, Inc
Classification: Pathogenic for Polycystic kidney disease, adult type. Review status: criteria provided, single submitter. Criteria: ACMG Guidelines, 2015. Collection method: clinical testing. Allele origin: germline. Affected: yes.
Comment: Absent from controls (or at extremely low frequency if recessive) in Genome Aggregation Database, Exome Sequencing Project, 1000 Genomes Project, or Exome Aggregation Consortium.;Null variant in a gene where loss of function (LOF) is a known mechanism of disease.;Patient's phenotype or family history is highly specific for a disease with a single genetic etiology.

NM_001009944.3(PKD1):c.8363C>A (p.Ser2788Ter)

Gene: PKD1 (polycystin 1, transient receptor potential channel interacting; minus strand). Cytogenetic location: 16p13.3.
Variant type: single nucleotide variant.
Coding change: c.8363C>A on transcript NM_001009944.3 (MANE Select); coding-DNA position 8363, C replaced by A.
Protein change: p.Ser2788Ter; replaces serine 2788 with a stop codon.
Molecular consequence: nonsense.
Genome position (GRCh38, 1-based): chr16:2,103,694, G>T on the plus strand (C>A on the coding strand, the complement: PKD1 is on the minus strand). VCF-style: chr16-2103694-G-T. GRCh37 (hg19) VCF-style: chr16-2153695-G-T.
Other names: c.8363C>A, p.Ser2788Ter (NM_000296.4); short protein forms S2788*.
Identifiers: ClinVar variation 3335836 (VCV003335836.3).
Genomic context (GRCh38, chr16:2,103,694, plus strand): 5'-ATGGAGAAGTGGCAGCCAGGCCCTGGGGCGCCGCCATAGCACAGCAGGCTCCGCGGGTCC[G>T]AGCGCTTGCCCTGGGCCACGATCTCCTCGCCCGCCAGCGTCAGGGGCTCCTCGTTGAGCA-3'